The following is an entry in ClinVar:

NM_000717.5(CA4):c.425T>C (p.Val142Ala)

Gene: CA4 (carbonic anhydrase 4; plus strand). Cytogenetic location: 17q23.1.
Variant type: single nucleotide variant.
Coding change: c.425T>C on transcript NM_000717.5 (MANE Select); coding-DNA position 425, T replaced by C.
Protein change: p.Val142Ala; replaces valine 142 with alanine.
Molecular consequence: missense variant. On other transcripts: non-coding transcript variant (1).
Genome position (GRCh38, 1-based): chr17:60,157,700, T>C. VCF-style: chr17-60157700-T-C. GRCh37 (hg19) VCF-style: chr17-58235061-T-C.
Other names: short protein forms V142A.
Identifiers: ClinVar variation 2987716 (VCV002987716.3), dbSNP rs1444798664, ClinGen allele CA400456027.

ClinVar aggregate classification (germline): Uncertain significance (1 of 4 stars; one submission).

Allele frequency attached by ClinVar (database versions not stated): gnomAD exomes below 0.00001.
gnomAD v4.1: 2 of 1,613,672 alleles (0.00012%); highest among the groups gnomAD compares: East Asian, 0.0022%; no homozygotes.

Submission:

Labcorp Genetics (formerly Invitae), Labcorp
Classification: Uncertain significance. Last evaluated: 2023-01-07. Review status: criteria provided, single submitter. Criteria: Invitae Variant Classification Sherloc (09022015). Collection method: clinical testing. Allele origin: germline.
Comment: In summary, the available evidence is currently insufficient to determine the role of this variant in disease. Therefore, it has been classified as a Variant of Uncertain Significance. Advanced modeling of protein sequence and biophysical properties (such as structural, functional, and spatial information, amino acid conservation, physicochemical variation, residue mobility, and thermodynamic stability) performed at Invitae indicates that this missense variant is expected to disrupt CA4 protein function. This variant has not been reported in the literature in individuals affected with CA4-related conditions. This variant is present in population databases (no rsID available, gnomAD 0.006%). This sequence change replaces valine, which is neutral and non-polar, with alanine, which is neutral and non-polar, at codon 142 of the CA4 protein (p.Val142Ala).